The following is an entry in ClinVar:

NM_001378454.1(ALMS1):c.7724G>C (p.Ser2575Thr)

Gene: ALMS1 (ALMS1 centrosome and basal body associated protein; plus strand). Cytogenetic location: 2p13.1.
Variant type: single nucleotide variant.
Coding change: c.7724G>C on transcript NM_001378454.1 (MANE Select); coding-DNA position 7724, G replaced by C.
Protein change: p.Ser2575Thr; replaces serine 2575 with threonine.
Molecular consequence: missense variant.
Genome position (GRCh38, 1-based): chr2:73,489,683, G>C. VCF-style: chr2-73489683-G-C. GRCh37 (hg19) VCF-style: chr2-73716810-G-C.
Other names: c.7727G>C, p.Ser2576Thr (NM_015120.4); short protein forms S2576T, S2575T.
Identifiers: ClinVar variation 2168579 (VCV002168579.4), dbSNP rs3820700, ClinGen allele CA347263929.

ClinVar aggregate classification (germline): Uncertain significance (1 of 4 stars; one submission).

Conditions:
Alstrom syndrome (ALMS). Identifiers: Orphanet 64, MedGen C0268425, MONDO:0008763, OMIM 203800.

gnomAD v4.1: 4 of 1,613,840 alleles (0.00025%); highest among the groups gnomAD compares: Middle Eastern, 0.016%; no homozygotes.

Submission:

Labcorp Genetics (formerly Invitae), Labcorp
Classification: Uncertain significance for Alstrom syndrome. Last evaluated: 2023-07-17. Review status: criteria provided, single submitter. Criteria: Invitae Variant Classification Sherloc (09022015). Collection method: clinical testing. Allele origin: germline.
Comment: This variant has not been reported in the literature in individuals affected with ALMS1-related conditions. This variant is present in population databases (no rsID available, gnomAD 0.007%). This sequence change replaces serine, which is neutral and polar, with threonine, which is neutral and polar, at codon 2576 of the ALMS1 protein (p.Ser2576Thr). In summary, the available evidence is currently insufficient to determine the role of this variant in disease. Therefore, it has been classified as a Variant of Uncertain Significance. Experimental studies and prediction algorithms are not available or were not evaluated, and the functional significance of this variant is currently unknown. ClinVar contains an entry for this variant (Variation ID: 2168579).